The following is an entry in ClinVar:

ClinVar aggregate classification (germline): Likely benign. Review status: criteria provided, multiple submitters, no conflicts (2 of 4 stars). 3 submissions from 3 submitters: Likely benign (2). 1 of the submissions does not count toward it. Last evaluated 2025-10-07.

Conditions:
Hereditary cancer-predisposing syndrome. Also called: Hereditary Cancer Syndrome; Tumor predisposition; Hereditary neoplastic syndrome; Neoplastic Syndromes, Hereditary. Identifiers: Orphanet 140162, MedGen C0027672, MeSH D009386, MONDO:0015356.
Hereditary diffuse gastric adenocarcinoma (HDGC). Also called: DIFFUSE GASTRIC AND LOBULAR BREAST CANCER SYNDROME. Identifiers: Orphanet 26106, MedGen C1708349, MONDO:0007648, OMIM 137215.
Malignant tumor of breast. Also called: Malignant breast neoplasm; Cancer breast. Identifiers: MedGen C0006142, MONDO:0007254. Disease mechanism: loss of function.

Allele frequency attached by ClinVar (database versions not stated): gnomAD exomes below 0.00001; ExAC 0.00001.
gnomAD v4.1: 6 of 1,613,582 alleles (0.00037%); highest among the groups gnomAD compares: South Asian, 0.0066%; no homozygotes.

Submissions (3):

Labcorp Genetics (formerly Invitae), Labcorp
Classification: Likely benign for Hereditary diffuse gastric adenocarcinoma. Last evaluated: 2025-10-07. Review status: criteria provided, single submitter. Criteria: Invitae Variant Classification Sherloc (09022015). Collection method: clinical testing. Allele origin: germline.

Color Diagnostics, LLC DBA Color Health
Classification: Likely benign for Hereditary cancer-predisposing syndrome. Last evaluated: 2024-03-11. Review status: criteria provided, single submitter. Criteria: ACMG Guidelines, 2015. Collection method: clinical testing. Allele origin: germline.

Department of Pathology and Laboratory Medicine, Sinai Health System
Classification: Uncertain significance for Malignant tumor of breast. Review status: no assertion criteria provided. Collection method: clinical testing. Allele origin: unknown. Affected: yes. Study: The Canadian Open Genetics Repository (COGR). Not counted in ClinVar's aggregate classification.
Comment: The CDH1 c.2165-12C>G variant was not identified in the literature. The variant was identified in dbSNP (ID: rs760834250) â€šÃ„ÃºWith Likely benign alleleâ€šÃ„Ã¹ and ClinVar (classified likely benign by GeneDx). The variant was identified in control databases in 1 of 246068 chromosomes at a frequency of 0.000004 (Genome Aggregation Database Feb 27, 2017), observed in the South Asian population in 1 of 30782 chromosomes (freq: 0.00003), but not in the African, Other, Latino, European, Ashkenazi Jewish, East Asian, or Finnish populations. The c.2165-12C>G variant is located in the 3' splice region but does not affect the invariant -1 and -2 positions. However, positions -3 and -5 to -12 are part of the splicing consensus sequence and variants involving these positions sometimes affect splicing. In addition, 1 of 4 in silico or computational prediction software programs (SpliceSiteFinder, MaxEntScan, NNSPLICE, GeneSplicer) predicts a greater than 10% difference in splicing; this is not very predictive of pathogenicity. In summary, based on the above information, the clinical significance of this variant cannot be determined with certainty at this time. This variant is classified as a variant of uncertain significance.

NM_004360.5(CDH1):c.2165-12C>G

Gene: CDH1 (cadherin 1; plus strand). Cytogenetic location: 16q22.1.
Variant type: single nucleotide variant.
Coding change: c.2165-12C>G on transcript NM_004360.5 (MANE Select); 12 bases into the intron before coding-DNA position 2165, C replaced by G.
Molecular consequence: intron variant.
Genome position (GRCh38, 1-based): chr16:68,828,162, C>G. VCF-style: chr16-68828162-C-G. GRCh37 (hg19) VCF-style: chr16-68862065-C-G.
Other names: c.617-12C>G (NM_001317185.2); c.200-12C>G (NM_001317186.2); c.1982-12C>G (NM_001317184.2).
Identifiers: ClinVar variation 1049225 (VCV001049225.12), dbSNP rs760834250, ClinGen allele CA8130220.